The following is an entry in ClinVar:

NM_005060.4(RORC):c.770G>A (p.Arg257His)

Gene: RORC (RAR related orphan receptor C; minus strand). Cytogenetic location: 1q21.3.
Variant type: single nucleotide variant.
Coding change: c.770G>A on transcript NM_005060.4 (MANE Select); coding-DNA position 770, G replaced by A.
Protein change: p.Arg257His; replaces arginine 257 with histidine.
Molecular consequence: missense variant.
Genome position (GRCh38, 1-based): chr1:151,814,954, C>T on the plus strand (G>A on the coding strand, the complement: RORC is on the minus strand). VCF-style: chr1-151814954-C-T. GRCh37 (hg19) VCF-style: chr1-151787430-C-T.
Other names: c.707G>A, p.Arg236His (NM_001001523.2); c.770G>A (NM_005060.3); short protein forms R236H, R257H.
Identifiers: ClinVar variation 1057995 (VCV001057995.9), dbSNP rs746187982, ClinGen allele CA1095857.

ClinVar aggregate classification (germline): Uncertain significance. Review status: criteria provided, multiple submitters, no conflicts (2 of 4 stars). 2 submissions from 2 submitters: Uncertain significance (2). Last evaluated 2024-12-23.

Conditions:
Inborn genetic diseases. Identifiers: MedGen C0950123, MeSH D030342.
Autosomal recessive mendelian susceptibility to mycobacterial diseases due to complete RORgamma receptor deficiency. Also called: Immunodeficiency 42. Identifiers: Orphanet 477857, MedGen C5567647, MONDO:0014710, OMIM 616622.

Allele frequency attached by ClinVar (database versions not stated): gnomAD 0.00001.
gnomAD v4.1: 53 of 1,613,972 alleles (0.0033%); highest among the groups gnomAD compares: Admixed American, 0.02%; 1 homozygote.

Submissions (2):

Ambry Genetics
Classification: Uncertain significance for Inborn genetic diseases. Last evaluated: 2024-12-23. Review status: criteria provided, single submitter. Criteria: Ambry Variant Classification Scheme 2023. Collection method: clinical testing. Allele origin: germline.

Labcorp Genetics (formerly Invitae), Labcorp
Classification: Uncertain significance for Autosomal recessive mendelian susceptibility to mycobacterial diseases due to complete RORgamma receptor deficiency. Last evaluated: 2023-07-10. Review status: criteria provided, single submitter. Criteria: Invitae Variant Classification Sherloc (09022015). Collection method: clinical testing. Allele origin: germline.
Comment: ClinVar contains an entry for this variant (Variation ID: 1057995). Algorithms developed to predict the effect of missense changes on protein structure and function output the following: SIFT: "Not Available"; PolyPhen-2: "Benign"; Align-GVGD: "Not Available". The histidine amino acid residue is found in multiple mammalian species, which suggests that this missense change does not adversely affect protein function. In summary, the available evidence is currently insufficient to determine the role of this variant in disease. Therefore, it has been classified as a Variant of Uncertain Significance. This sequence change replaces arginine, which is basic and polar, with histidine, which is basic and polar, at codon 257 of the RORC protein (p.Arg257His). This variant is present in population databases (rs746187982, gnomAD 0.02%). This variant has not been reported in the literature in individuals affected with RORC-related conditions.